The following is an entry in ClinVar:

NM_021942.6(TRAPPC11):c.827A>G (p.Tyr276Cys)

Gene: TRAPPC11 (trafficking protein particle complex subunit 11; plus strand). Cytogenetic location: 4q35.1.
Variant type: single nucleotide variant.
Coding change: c.827A>G on transcript NM_021942.6 (MANE Select); coding-DNA position 827, A replaced by G.
Protein change: p.Tyr276Cys; replaces tyrosine 276 with cysteine.
Molecular consequence: missense variant.
Genome position (GRCh38, 1-based): chr4:183,677,550, A>G. VCF-style: chr4-183677550-A-G. GRCh37 (hg19) VCF-style: chr4-184598703-A-G.
Other names: c.827A>G, p.Tyr276Cys (NM_199053.3); short protein forms Y276C.
Identifiers: ClinVar variation 1928697 (VCV001928697.5), dbSNP rs1449961993, ClinGen allele CA358861985.

ClinVar aggregate classification (germline): Uncertain significance (1 of 4 stars; one submission).

Conditions:
Autosomal recessive limb-girdle muscular dystrophy type R18 (LGMDR18). Also called: Limb-girdle muscular dystrophy, type 2S; MUSCULAR DYSTROPHY, LIMB-GIRDLE, AUTOSOMAL RECESSIVE 18; Autosomal recessive limb-girdle muscular dystrophy type 2S. Identifiers: Orphanet 369840, MedGen C4517996, MONDO:0014144, OMIM 615356.

Allele frequency attached by ClinVar (database versions not stated): TOPMed 0.00001.

Submission:

Labcorp Genetics (formerly Invitae), Labcorp
Classification: Uncertain significance for Autosomal recessive limb-girdle muscular dystrophy type R18. Last evaluated: 2022-06-02. Review status: criteria provided, single submitter. Criteria: Invitae Variant Classification Sherloc (09022015). Collection method: clinical testing. Allele origin: germline.
Comment: This variant is not present in population databases (gnomAD no frequency). This sequence change replaces tyrosine, which is neutral and polar, with cysteine, which is neutral and slightly polar, at codon 276 of the TRAPPC11 protein (p.Tyr276Cys). This variant has not been reported in the literature in individuals affected with TRAPPC11-related conditions. Algorithms developed to predict the effect of missense changes on protein structure and function (SIFT, PolyPhen-2, Align-GVGD) all suggest that this variant is likely to be disruptive. In summary, the available evidence is currently insufficient to determine the role of this variant in disease. Therefore, it has been classified as a Variant of Uncertain Significance.